The following is an entry in ClinVar:

ClinVar aggregate classification (germline): Pathogenic (1 of 4 stars; one submission).

Conditions:
Arginase deficiency. Also called: ARGININEMIA; ARG1 DEFICIENCY; Arginase 1 Deficiency. Identifiers: Orphanet 90, MedGen C0268548, MONDO:0008814, OMIM 207800.

Submission:

Foundation for Research in Genetics and Endocrinology, FRIGE's Institute of Human Genetics
Classification: Pathogenic for Arginase deficiency. Last evaluated: 2020-11-10. Review status: criteria provided, single submitter. Criteria: ACMG Guidelines, 2015. Collection method: clinical testing. Allele origin: germline. Inheritance: Autosomal recessive inheritance. Affected: yes. Observed: 1 variant allele, 1 homozygote.
Comment: A homozygous single base pair deletion in exon 8 of the ARG1 gene that results in a frameshift and premature truncation of the protein 10 amino acids downstream to codon 288 was detected. The observed variant c.863delC (p.Pro288HisfsTer10) has not been reported in the 1000 genomes and gnomAD databases. The reference region is conserved across mammals. In summary, the variant meets our criteria to be classified as pathogenic.

NM_000045.4(ARG1):c.839del (p.Pro280fs)

Genes: ARG1 (arginase 1; plus strand), MED23 (mediator complex subunit 23; minus strand). Cytogenetic location: 6q23.2.
Variant type: Deletion.
Coding change: c.839del on transcript NM_000045.4 (MANE Select); coding-DNA position 839, one base deleted (C; older notation c.839delC).
Protein change: p.Pro280fs; shifts the reading frame from proline 280.
Molecular consequence: frameshift variant. On other transcripts: non-coding transcript variant (1), intron variant (2).
Genome position (GRCh38, 1-based): chr6:131,583,778, C deleted; the last of 3 consecutive C bases (chr6:131,583,776-131,583,778); deleting any one gives the same sequence. VCF-style (leftmost placement, unchanged base first): chr6-131583775-AC-A. GRCh37 (hg19) VCF-style: chr6-131904915-AC-A.
Other names: c.863del, p.Pro288fs (NM_001244438.2); c.584del, p.Pro195fs (NM_001369020.1); c.4077+3933del (NM_001270521.2); c.4095+3933del (NM_015979.4); c.863delC (NM_001244438.2); short protein forms P195fs, P280fs, P288fs.
Identifiers: ClinVar variation 1064873 (VCV001064873.5), dbSNP rs2114551140, ClinGen allele CA2499218096.